The following is an entry in ClinVar:

NM_000083.3(CLCN1):c.99C>A (p.Tyr33Ter)

Gene: CLCN1 (chloride voltage-gated channel 1; plus strand). Cytogenetic location: 7q34.
Variant type: single nucleotide variant.
Coding change: c.99C>A on transcript NM_000083.3 (MANE Select); coding-DNA position 99, C replaced by A.
Protein change: p.Tyr33Ter; replaces tyrosine 33 with a stop codon.
Molecular consequence: nonsense. On other transcripts: non-coding transcript variant (1).
Genome position (GRCh38, 1-based): chr7:143,316,311, C>A. VCF-style: chr7-143316311-C-A. GRCh37 (hg19) VCF-style: chr7-143013404-C-A.
Other names: short protein forms Y33*.
Identifiers: ClinVar variation 1069498 (VCV001069498.9), dbSNP rs138922145, ClinGen allele CA369677082.

ClinVar aggregate classification (germline): Pathogenic (1 of 4 stars; one submission).

Conditions:
Congenital myotonia, autosomal dominant form (THD). Also called: THOMSEN DISEASE; Myotonia congenita autosomal dominant. Identifiers: Orphanet 614, MedGen C2936781, MONDO:0008055, OMIM 160800.
Congenital myotonia, autosomal recessive form. Also called: Becker Generalized Myotonia; myotonia congenita, autosomal recessive; BECKER DISEASE. Identifiers: Orphanet 614, MedGen C0751360, MONDO:0009715, OMIM 255700.

Submission:

Labcorp Genetics (formerly Invitae), Labcorp
Classification: Pathogenic for Congenital myotonia, autosomal recessive form; Congenital myotonia, autosomal dominant form. Last evaluated: 2022-11-29. Review status: criteria provided, single submitter. Criteria: Invitae Variant Classification Sherloc (09022015). Collection method: clinical testing. Allele origin: germline.
Comment: This sequence change creates a premature translational stop signal (p.Tyr33*) in the CLCN1 gene. It is expected to result in an absent or disrupted protein product. Loss-of-function variants in CLCN1 are known to be pathogenic (PMID: 17932099, 22094069, 23739125). For these reasons, this variant has been classified as Pathogenic. ClinVar contains an entry for this variant (Variation ID: 1069498). This premature translational stop signal has been observed in individuals with features of autosomal recessive myotonia congenita (PMID: 23893571; Invitae). This variant is not present in population databases (gnomAD no frequency).

Literature cited by the submitters: PubMed 17932099; PubMed 22094069; PubMed 23739125; PubMed 23893571.